The following is an entry in ClinVar:

NM_001142864.4(PIEZO1):c.6349G>A (p.Glu2117Lys)

Gene: PIEZO1 (piezo type mechanosensitive ion channel component 1 (Er blood group); minus strand). Cytogenetic location: 16q24.3.
Variant type: single nucleotide variant.
Coding change: c.6349G>A on transcript NM_001142864.4 (MANE Select); coding-DNA position 6349, G replaced by A.
Protein change: p.Glu2117Lys; replaces glutamic acid 2117 with lysine.
Molecular consequence: missense variant.
Genome position (GRCh38, 1-based): chr16:88,719,696, C>T on the plus strand (G>A on the coding strand, the complement: PIEZO1 is on the minus strand). VCF-style: chr16-88719696-C-T. GRCh37 (hg19) VCF-style: chr16-88786104-C-T.
Other names: c.4891G>A, p.Glu1631Lys (NM_014745.1); short protein forms E1631K, E2117K.
Identifiers: ClinVar variation 2633880 (VCV002633880.1), dbSNP rs2507840834, ClinGen allele CA397083512.

ClinVar aggregate classification (germline): Likely pathogenic (1 of 4 stars; one submission).

Conditions:
PIEZO1-related disorder. Also called: PIEZO1-Related Disorders; PIEZO1-related condition.

Submission:

PreventionGenetics, part of Exact Sciences
Classification: Likely pathogenic for PIEZO1-related condition. Last evaluated: 2023-03-02. Review status: criteria provided, single submitter. Criteria: ACMG Guidelines, 2015. Collection method: clinical testing. Allele origin: germline.
Comment: The PIEZO1 c.6349G>A variant is predicted to result in the amino acid substitution p.Glu2117Lys. To our knowledge, this variant has not been reported in association with disorders in the literature; however, functional studies showed that this variant alters channel conductance (Gnanasambanda et al. 2018. PubMed ID: 30462693). This variant has not been reported in a large population database, indicating this variant is rare. This variant is interpreted as likely pathogenic.